The following is an entry in ClinVar:

ClinVar aggregate classification (germline): Likely benign. Review status: criteria provided, multiple submitters, no conflicts (2 of 4 stars). 2 submissions from 2 submitters: Likely benign (2). Last evaluated 2025-12-25.

Conditions:
HNRNPA2B1-related disorder. Also called: HNRNPA2B1-related condition.
Inclusion body myopathy with early-onset Paget disease with or without frontotemporal dementia 2 (IBMPFD2). Also called: MULTISYSTEM PROTEINOPATHY 2. Identifiers: MedGen C3809468, MONDO:0014178, OMIM 615422.

Allele frequency attached by ClinVar (database versions not stated): TOPMed 0.00001; gnomAD 0.00003; gnomAD exomes 0.00003; ExAC 0.00010; 1000 Genomes Project 30x 0.00062; 1000 Genomes Project 0.00080.
gnomAD v4.1: 54 of 1,613,008 alleles (0.0033%); highest among the groups gnomAD compares: South Asian, 0.056%; 1 homozygote.

Submissions (2):

Labcorp Genetics (formerly Invitae), Labcorp
Classification: Likely benign for Inclusion body myopathy with early-onset Paget disease with or without frontotemporal dementia 2. Last evaluated: 2025-12-25. Review status: criteria provided, single submitter. Criteria: Invitae Variant Classification Sherloc (09022015). Collection method: clinical testing. Allele origin: germline.

PreventionGenetics, part of Exact Sciences
Classification: Likely benign for HNRNPA2B1-related condition. Last evaluated: 2025-02-19. Review status: criteria provided, single submitter. Criteria: ACMG Guidelines, 2015. Collection method: clinical testing. Allele origin: germline.
Comment: This variant is classified as likely benign based on ACMG/AMP sequence variant interpretation guidelines (Richards et al. 2015 PMID: 25741868, with internal and published modifications).

NM_002137.4(HNRNPA2B1):c.483A>G (p.Lys161=)

Gene: HNRNPA2B1 (heterogeneous nuclear ribonucleoprotein A2/B1; minus strand). Cytogenetic location: 7p15.2.
Variant type: single nucleotide variant.
Coding change: c.483A>G on transcript NM_002137.4 (MANE Select); coding-DNA position 483, A replaced by G.
Protein change: p.Lys161=; no amino-acid change (lysine 161 retained).
Molecular consequence: synonymous variant.
Genome position (GRCh38, 1-based): chr7:26,196,651, T>C on the plus strand (A>G on the coding strand, the complement: HNRNPA2B1 is on the minus strand). VCF-style: chr7-26196651-T-C. GRCh37 (hg19) VCF-style: chr7-26236271-T-C.
Other names: c.519A>G, p.Lys173= (NM_031243.4); c.519A>G (NM_031243.2).
Identifiers: ClinVar variation 2181694 (VCV002181694.5), dbSNP rs564435160, ClinGen allele CA4194615.